The following is an entry in ClinVar:

ClinVar aggregate classification (germline): Benign/Likely benign. Review status: criteria provided, multiple submitters, no conflicts (2 of 4 stars). 6 submissions from 6 submitters: Benign (3); Likely benign (3). Last evaluated 2026-01-19.

Conditions:
Inborn genetic diseases. Identifiers: MedGen C0950123, MeSH D030342.
KBG syndrome (KBGS). Also called: ANKRD11-Related KBG Syndrome. Identifiers: Orphanet 2332, MedGen C0220687, MONDO:0007846, OMIM 148050.

Allele frequency attached by ClinVar (database versions not stated): gnomAD exomes 0.00014; 1000 Genomes Project 30x 0.00016; ExAC 0.00017; 1000 Genomes Project 0.00020; gnomAD 0.00055 and 0.00059; TOPMed 0.00061; ESP Exome Variant Server 0.00062.
gnomAD v4.1: 158 of 1,599,050 alleles (0.0099%); highest among the groups gnomAD compares: African/African-American, 0.19%; 1 homozygote.

Submissions (6):

Labcorp Genetics (formerly Invitae), Labcorp
Classification: Likely benign for KBG syndrome. Last evaluated: 2026-01-19. Review status: criteria provided, single submitter. Criteria: Invitae Variant Classification Sherloc (09022015). Collection method: clinical testing. Allele origin: germline.

Ambry Genetics
Classification: Likely benign for Inborn genetic diseases. Last evaluated: 2022-08-17. Review status: criteria provided, single submitter. Criteria: Ambry Variant Classification Scheme 2023. Collection method: clinical testing. Allele origin: germline.

CeGaT Center for Human Genetics Tuebingen
Classification: Benign. Last evaluated: 2022-08-01. Review status: criteria provided, single submitter. Criteria: CeGaT Center For Human Genetics Tuebingen Variant Classification Criteria Version 2. Collection method: clinical testing. Allele origin: germline. Affected: yes. Observed: 1 variant allele.
Comment: ANKRD11: BS1, BS2

Genome-Nilou Lab
Classification: Benign for KBG syndrome. Last evaluated: 2021-12-05. Review status: criteria provided, single submitter. Criteria: ACMG Guidelines, 2015. Collection method: clinical testing. Allele origin: germline. Affected: no.

GeneDx
Classification: Benign. Last evaluated: 2020-10-19. Review status: criteria provided, single submitter. Criteria: GeneDx Variant Classification Process June 2021. Collection method: clinical testing. Allele origin: germline. Affected: yes.

Athena Diagnostics
Classification: Likely benign. Last evaluated: 2018-01-25. Review status: criteria provided, single submitter. Criteria: Athena Diagnostics Criteria. Collection method: clinical testing. Allele origin: germline.

NM_013275.6(ANKRD11):c.5629C>T (p.Pro1877Ser)

Gene: ANKRD11 (ankyrin repeat domain 11; minus strand). Cytogenetic location: 16q24.3.
Variant type: single nucleotide variant.
Coding change: c.5629C>T on transcript NM_013275.6 (MANE Select); coding-DNA position 5629, C replaced by T.
Protein change: p.Pro1877Ser; replaces proline 1877 with serine.
Molecular consequence: missense variant.
Genome position (GRCh38, 1-based): chr16:89,280,913, G>A on the plus strand (C>T on the coding strand, the complement: ANKRD11 is on the minus strand). VCF-style: chr16-89280913-G-A. GRCh37 (hg19) VCF-style: chr16-89347321-G-A.
Other names: c.5629C>T, p.Pro1877Ser (NM_001256182.2, NM_001256183.2); short protein forms P1877S.
Identifiers: ClinVar variation 585413 (VCV000585413.42), dbSNP rs142527333, ClinGen allele CA8241771.